The following is an entry in ClinVar:

ClinVar aggregate classification (germline): Uncertain significance (1 of 4 stars; one submission).

Conditions:
Cardiovascular phenotype. Identifiers: MedGen CN230736.

Submission:

Ambry Genetics
Classification: Uncertain significance for Cardiovascular phenotype. Last evaluated: 2024-07-24. Review status: criteria provided, single submitter. Criteria: Ambry Variant Classification Scheme 2023. Collection method: clinical testing. Allele origin: germline.
Comment: The p.A117G variant (also known as c.350C>G), located in coding exon 2 of the RBM20 gene, results from a C to G substitution at nucleotide position 350. The alanine at codon 117 is replaced by glycine, an amino acid with similar properties. This amino acid position is conserved. In addition, the in silico prediction for this alteration is inconclusive. Based on the available evidence, the clinical significance of this variant remains unclear.

NM_001134363.3(RBM20):c.350C>G (p.Ala117Gly)

Gene: RBM20 (RNA binding motif protein 20; plus strand). Cytogenetic location: 10q25.2.
Variant type: single nucleotide variant.
Coding change: c.350C>G on transcript NM_001134363.3 (MANE Select); coding-DNA position 350, C replaced by G.
Protein change: p.Ala117Gly; replaces alanine 117 with glycine.
Molecular consequence: missense variant.
Genome position (GRCh38, 1-based): chr10:110,780,959, C>G. VCF-style: chr10-110780959-C-G. GRCh37 (hg19) VCF-style: chr10-112540717-C-G.
Other names: short protein forms A117G.
Identifiers: ClinVar variation 3431229 (VCV003431229.1).